The following is an entry in ClinVar:

ClinVar aggregate classification (germline): Uncertain significance. Review status: criteria provided, multiple submitters, no conflicts (2 of 4 stars). 4 submissions from 4 submitters: Uncertain significance (4). Last evaluated 2026-03-05.

Conditions:
Cardiovascular phenotype. Identifiers: MedGen CN230736.
Hypertrophic cardiomyopathy 14. Identifiers: MedGen C2750467, MONDO:0013197, OMIM 613251.
MYH6-related disorder. Also called: MYH6-Related Disorders; MYH6-related condition.

Allele frequency attached by ClinVar (database versions not stated): gnomAD 0.00001; TOPMed 0.00003.
gnomAD v4.1: 17 of 1,613,982 alleles (0.0011%); highest among the groups gnomAD compares: East Asian, 0.0089%; no homozygotes.

Submissions (4):

PreventionGenetics, part of Exact Sciences
Classification: Uncertain significance for MYH6-related condition. Last evaluated: 2026-03-05. Review status: criteria provided, single submitter. Criteria: ACMG Guidelines, 2015. Collection method: clinical testing. Allele origin: germline.
Comment: The MYH6 c.2398C>T variant is predicted to result in the amino acid substitution p.Arg800Cys. This variant has been reported in two individuals in a cohort study of congenital heart disease; however, no further evidence was provided to support causation in this report (Zhang et al. 2022. PubMed ID: 35993536). This variant is reported in 0.015% of alleles in individuals of East Asian descent in gnomAD and is interpreted as uncertain significance in ClinVar (Variation ID: 1375285). At this time, the clinical significance of this variant is uncertain due to the absence of conclusive functional and genetic evidence.

Labcorp Genetics (formerly Invitae), Labcorp
Classification: Uncertain significance for Hypertrophic cardiomyopathy 14. Last evaluated: 2024-12-20. Review status: criteria provided, single submitter. Criteria: Invitae Variant Classification Sherloc (09022015). Collection method: clinical testing. Allele origin: germline.
Comment: This sequence change replaces arginine, which is basic and polar, with cysteine, which is neutral and slightly polar, at codon 800 of the MYH6 protein (p.Arg800Cys). This variant is present in population databases (rs763477425, gnomAD 0.02%). This missense change has been observed in individual(s) with congenital heart disease (PMID: 35993536). ClinVar contains an entry for this variant (Variation ID: 1375285). Invitae Evidence Modeling of protein sequence and biophysical properties (such as structural, functional, and spatial information, amino acid conservation, physicochemical variation, residue mobility, and thermodynamic stability) indicates that this missense variant is expected to disrupt MYH6 protein function with a positive predictive value of 80%. In summary, the available evidence is currently insufficient to determine the role of this variant in disease. Therefore, it has been classified as a Variant of Uncertain Significance.

Blueprint Genetics
Classification: Uncertain significance. Last evaluated: 2024-09-24. Review status: criteria provided, single submitter. Criteria: ACMG Guidelines, 2015. Collection method: clinical testing. Allele origin: germline.

Ambry Genetics
Classification: Uncertain significance for Cardiovascular phenotype. Last evaluated: 2022-03-03. Review status: criteria provided, single submitter. Criteria: Ambry Variant Classification Scheme 2023. Collection method: clinical testing. Allele origin: germline.
Comment: The p.R800C variant (also known as c.2398C>T), located in coding exon 18 of the MYH6 gene, results from a C to T substitution at nucleotide position 2398. The arginine at codon 800 is replaced by cysteine, an amino acid with highly dissimilar properties. This amino acid position is conserved. In addition, this alteration is predicted to be deleterious by in silico analysis. Since supporting evidence is limited at this time, the clinical significance of this alteration remains unclear.

Literature cited by the submitters: PubMed 35993536 (cited by Labcorp Genetics (formerly Invitae), Labcorp).

NM_002471.4(MYH6):c.2398C>T (p.Arg800Cys)

Gene: MYH6 (myosin heavy chain 6; minus strand). Cytogenetic location: 14q11.2.
Variant type: single nucleotide variant.
Coding change: c.2398C>T on transcript NM_002471.4 (MANE Select); coding-DNA position 2398, C replaced by T.
Protein change: p.Arg800Cys; replaces arginine 800 with cysteine.
Molecular consequence: missense variant.
Genome position (GRCh38, 1-based): chr14:23,396,315, G>A on the plus strand (C>T on the coding strand, the complement: MYH6 is on the minus strand). VCF-style: chr14-23396315-G-A. GRCh37 (hg19) VCF-style: chr14-23865524-G-A.
Other names: short protein forms R800C.
Identifiers: ClinVar variation 1375285 (VCV001375285.10), dbSNP rs763477425, ClinGen allele CA7115480.